The following is an entry in ClinVar:

ClinVar aggregate classification (germline): Pathogenic (1 of 4 stars; one submission).

Submission:

Labcorp Genetics (formerly Invitae), Labcorp
Classification: Pathogenic. Last evaluated: 2021-10-10. Review status: criteria provided, single submitter. Criteria: Invitae Variant Classification Sherloc (09022015). Collection method: clinical testing. Allele origin: germline.
Comment: This sequence change creates a premature translational stop signal (p.Lys373Argfs*93) in the PRPF31 gene. While this is not anticipated to result in nonsense mediated decay, it is expected to disrupt the last 127 amino acid(s) of the PRPF31 protein. For these reasons, this variant has been classified as Pathogenic. This variant is not present in population databases (ExAC no frequency). This variant has not been reported in the literature in individuals affected with PRPF31-related conditions. This variant disrupts a region of the PRPF31 protein in which other variant(s) (p.Gln409Alafs*66) have been determined to be pathogenic (PMID: 30360737). This suggests that this is a clinically significant region of the protein, and that variants that disrupt it are likely to be disease-causing.

Literature cited by the submitters: PubMed 30360737.

NM_015629.4(PRPF31):c.1118_1143del (p.Lys373fs)

Gene: PRPF31 (pre-mRNA processing factor 31; plus strand). Cytogenetic location: 19q13.42.
Variant type: Deletion.
Coding change: c.1118_1143del on transcript NM_015629.4 (MANE Select); coding-DNA positions 1118 to 1143, 26 bases deleted (AGCAGGCCAACCGTATGAGCTTCGGA).
Protein change: p.Lys373fs; shifts the reading frame from lysine 373.
Molecular consequence: frameshift variant.
Genome position (GRCh38, 1-based): chr19:54,128,349-54,128,374, AGCAGGCCAACCGTATGAGCTTCGGA deleted; deleting any 26 consecutive bases within chr19:54,128,345-54,128,374 gives the same sequence; the c. name uses the placement nearest the transcript's 3' end. VCF-style (leftmost placement, unchanged base first): chr19-54128344-CCGGAAGCAGGCCAACCGTATGAGCTT-C. GRCh37 (hg19) VCF-style: chr19-54631719-CCGGAAGCAGGCCAACCGTATGAGCTT-C.
Other names: short protein forms K373fs.
Identifiers: ClinVar variation 1399844 (VCV001399844.6), dbSNP rs2146445734, ClinGen allele CA2573156663.